The following is an entry in ClinVar:

NM_181078.3(IL21R):c.415C>T (p.Arg139Cys)

Gene: IL21R (interleukin 21 receptor; plus strand). Cytogenetic location: 16p12.1.
Variant type: single nucleotide variant.
Coding change: c.415C>T on transcript NM_181078.3 (MANE Select); coding-DNA position 415, C replaced by T.
Protein change: p.Arg139Cys; replaces arginine 139 with cysteine.
Molecular consequence: missense variant.
Genome position (GRCh38, 1-based): chr16:27,443,024, C>T. VCF-style: chr16-27443024-C-T. GRCh37 (hg19) VCF-style: chr16-27454345-C-T.
Other names: c.415C>T, p.Arg139Cys (NM_021798.4); c.481C>T, p.Arg161Cys (NM_181079.5); short protein forms R139C, R161C.
Identifiers: ClinVar variation 732803 (VCV000732803.13), dbSNP rs146177564, ClinGen allele CA7974965.

ClinVar aggregate classification (germline): Conflicting classifications of pathogenicity. Review status: criteria provided, conflicting classifications (1 of 4 stars). 3 submissions from 3 submitters: Uncertain significance (1); Likely benign (2). Last evaluated 2025-12-08.

Conditions:
Cryptosporidiosis-chronic cholangitis-liver disease syndrome. Also called: IL21R immunodeficiency; Immunodeficiency type 56. Identifiers: Orphanet 357329, MedGen C3554687, MONDO:0014082, OMIM 615207.
IL21R-related disorder. Also called: IL21R-related condition.

Allele frequency attached by ClinVar (database versions not stated): ESP Exome Variant Server 0.00031; gnomAD 0.00053 and 0.00058; TOPMed 0.00058; 1000 Genomes Project 30x 0.00203; 1000 Genomes Project 0.00240.
gnomAD v4.1: 740 of 1,613,794 alleles (0.046%); highest among the groups gnomAD compares: East Asian, 0.52%; 2 homozygotes.

Submissions (3):

Labcorp Genetics (formerly Invitae), Labcorp
Classification: Likely benign for Cryptosporidiosis-chronic cholangitis-liver disease syndrome. Last evaluated: 2025-12-08. Review status: criteria provided, single submitter. Criteria: Invitae Variant Classification Sherloc (09022015). Collection method: clinical testing. Allele origin: germline.

PreventionGenetics, part of Exact Sciences
Classification: Likely benign for IL21R-related condition. Last evaluated: 2025-09-09. Review status: criteria provided, single submitter. Criteria: ACMG Guidelines, 2015. Collection method: clinical testing. Allele origin: germline.
Comment: This variant is classified as likely benign based on ACMG/AMP sequence variant interpretation guidelines (Richards et al. 2015 PMID: 25741868, with internal and published modifications).

Blueprint Genetics
Classification: Uncertain significance. Last evaluated: 2024-09-18. Review status: criteria provided, single submitter. Criteria: ACMG Guidelines, 2015. Collection method: clinical testing. Allele origin: germline.